The following is an entry in ClinVar:

NM_000152.5(GAA):c.2040+17G>A

Gene: GAA (alpha glucosidase; plus strand). Cytogenetic location: 17q25.3.
Variant type: single nucleotide variant.
Coding change: c.2040+17G>A on transcript NM_000152.5 (MANE Select); 17 bases into the intron after coding-DNA position 2040, G replaced by A.
Molecular consequence: intron variant.
Genome position (GRCh38, 1-based): chr17:80,113,044, G>A. VCF-style: chr17-80113044-G-A. GRCh37 (hg19) VCF-style: chr17-78086843-G-A.
Other names: c.2040+17G>A (LRG_673t1, NM_001079803.3, NM_001079804.3).
Identifiers: ClinVar variation 506709 (VCV000506709.15), dbSNP rs534129336, ClinGen allele CA8815573.

ClinVar aggregate classification (germline): Likely benign. Review status: criteria provided, multiple submitters, no conflicts (2 of 4 stars). 5 submissions from 5 submitters: Likely benign (5). Last evaluated 2026-07-01.

Conditions:
Glycogen storage disease, type II (IOPD). Also called: CARDIOMEGALIA GLYCOGENICA DIFFUSA; POMPE DISEASE, INFANTILE-ONSET; GLYCOGEN STORAGE DISEASE II, INFANTILE-ONSET; ACID ALPHA-GLUCOSIDASE DEFICIENCY, INFANTILE-ONSET; GAA DEFICIENCY, INFANTILE-ONSET; ACID MALTASE DEFICIENCY, INFANTILE-ONSET. Identifiers: Orphanet 365, MedGen C0017921, MONDO:0009290, OMIM 232300.

Allele frequency attached by ClinVar (database versions not stated): 1000 Genomes Project 30x 0.00016; TOPMed 0.00018; 1000 Genomes Project 0.00020; ExAC 0.00020; gnomAD 0.00023 and 0.00025.

Submissions (5):

Genomenon, Inc
Classification: Likely benign for Glycogen storage disease, type II. Last evaluated: 2026-07-01. Review status: criteria provided, single submitter. Criteria: Genomenon Sequence Variant Interpretation Standards - Updated. Collection method: curation. Allele origin: germline. Affected: no.
Comment: GAA c.2040+17G>A is an intronic variant located in intron 14. This variant has been reported in the published literature (PMID:20080426). It is absent or not present at a significant frequency in gnomAD. This variant is not predicted to impact splicing. In conclusion, we classify GAA c.2040+17G>A as a likely benign variant.

Labcorp Genetics (formerly Invitae), Labcorp
Classification: Likely benign for Glycogen storage disease, type II. Last evaluated: 2026-01-21. Review status: criteria provided, single submitter. Criteria: Invitae Variant Classification Sherloc (09022015). Collection method: clinical testing. Allele origin: germline.

Women's Health and Genetics/Laboratory Corporation of America, LabCorp
Classification: Likely benign. Last evaluated: 2025-01-08. Review status: criteria provided, single submitter. Criteria: LabCorp Variant Classification Summary - May 2015. Collection method: clinical testing. Allele origin: germline.
Comment: Variant summary: GAA c.2040+17G>A alters a nucleotide located at a position not widely known to affect splicing. Consensus agreement among computation tools predict no significant impact on normal splicing. However, these predictions have yet to be confirmed by functional studies. The variant allele was found at a frequency of 0.00013 in 226600 control chromosomes. This frequency is not significantly higher than estimated for a pathogenic variant in GAA causing Glycogen Storage Disease, Type 2 (Pompe Disease) (0.00013 vs 0.0042), allowing no conclusion about variant significance. c.2040+17G>A has been reported in the literature in individuals affected with Glycogen Storage Disease, Type 2 (Pompe Disease). These report(s) do not provide unequivocal conclusions about association of the variant with Glycogen Storage Disease, Type 2 (Pompe Disease). To our knowledge, no experimental evidence demonstrating an impact on protein function has been reported. ClinVar contains an entry for this variant (Variation ID: 506709). Based on the evidence outlined above, the variant was classified as likely benign.

Blueprint Genetics
Classification: Likely benign. Last evaluated: 2024-07-11. Review status: criteria provided, single submitter. Criteria: ACMG Guidelines, 2015. Collection method: clinical testing. Allele origin: germline.

GeneDx
Classification: Likely benign. Last evaluated: 2018-02-15. Review status: criteria provided, single submitter. Criteria: GeneDx Variant Classification (06012015). Collection method: clinical testing. Allele origin: germline. Affected: yes.
Comment: This variant is considered likely benign or benign based on one or more of the following criteria: it is a conservative change, it occurs at a poorly conserved position in the protein, it is predicted to be benign by multiple in silico algorithms, and/or has population frequency not consistent with disease.

Literature cited by the submitters: PubMed 20080426 (cited by Genomenon, Inc and Women's Health and Genetics/Laboratory Corporation of America, LabCorp).